The following is an entry in ClinVar:

ClinVar aggregate classification (germline): Uncertain significance. Review status: criteria provided, single submitter (1 of 4 stars). 2 submissions from 2 submitters: Uncertain significance (1). 1 of the submissions does not count toward it. Last evaluated 2019-07-26.

Conditions:
Cleidocranial dysplasia 2 (CLCD2). Identifiers: MedGen C5774243, MONDO:0859307, OMIM 620099.
Acute myeloid leukemia (AML). Also called: Acute myeloid leukemia, adult; AML adult; Acute non-lymphocytic leukemia; Acute granulocytic leukemia; Leukemia, acute myelogenous, somatic; Leukemia, acute myeloid, somatic. Identifiers: Orphanet 519, MedGen C0023467, MeSH D015470, MONDO:0018874, OMIM 601626, HP:0004808. Disease mechanism: Constitutively activated FLT3.

Submissions (2):

Centre for Mendelian Genomics, University Medical Centre Ljubljana
Classification: Uncertain significance for Acute myeloid leukemia. Last evaluated: 2019-07-26. Review status: criteria provided, single submitter. Criteria: ACMG Guidelines, 2015. Collection method: clinical testing. Allele origin: unknown. Affected: yes.
Comment: This variant was classified as: Uncertain significance. The available evidence on this variant's pathogenicity is insufficient or conflicting. The following ACMG criteria were applied in classifying this variant: PM2.

OMIM
Classification: Pathogenic for CLEIDOCRANIAL DYSPLASIA 2. Last evaluated: 2023-04-25. Review status: no assertion criteria provided. Collection method: literature only. Allele origin: germline. Not counted in ClinVar's aggregate classification.

Literature cited by the submitters: PubMed 36241386 (cited by OMIM).

NM_022845.3(CBFB):c.295_296dup (p.Pro100fs)

Gene: CBFB (core-binding factor subunit beta; plus strand). Cytogenetic location: 16q22.1.
Variant type: Duplication.
Coding change: c.295_296dup on transcript NM_022845.3 (MANE Select); coding-DNA positions 295 to 296, 2 bases duplicated (GC; older notation c.295_296dupGC).
Protein change: p.Pro100fs; shifts the reading frame from proline 100.
Molecular consequence: frameshift variant. On other transcripts: intron variant (2).
Genome position (GRCh38, 1-based): chr16:67,066,694-67,066,695, GC duplicated. VCF-style (leftmost placement, unchanged base first): chr16-67066693-G-GGC. GRCh37 (hg19) VCF-style: chr16-67100596-G-GGC.
Other names: c.178_179dup, p.Pro61fs (NM_001368707.1, NM_001368709.1); c.295_296dup, p.Pro100fs (NM_001755.3); c.283-15519_283-15518dup (NM_001368710.1, NM_001368708.1); short protein forms P61fs, P100fs.
Identifiers: ClinVar variation 930504 (VCV000930504.5), dbSNP rs1961069899, ClinGen allele CA1139664731.